The following is an entry in ClinVar:

NC_000017.10:g.[41201181C>T;41201185A>T]

Variant type: Haplotype.
Identifiers: ClinVar variation 624568 (VCV000624568.3).

ClinVar aggregate classification (germline): Pathogenic (3 of 4 stars; one submission).

Conditions:
Breast-ovarian cancer, familial, susceptibility to, 1 (BROVCA1). Also called: OVARIAN CANCER, SUSCEPTIBILITY TO; BRCA1 Hereditary Breast and Ovarian Cancer. Identifiers: Orphanet 145, MedGen C2676676, MONDO:0011450, OMIM 604370. Disease mechanism: loss of function.

Submission:

Evidence-based Network for the Interpretation of Germline Mutant Alleles (ENIGMA)
Classification: Pathogenic for Breast-ovarian cancer, familial, susceptibility to, 1. Last evaluated: 2019-03-25. Review status: reviewed by expert panel. Criteria: ENIGMA BRCA1/2 Classification Criteria (2017-06-29). Collection method: curation. Allele origin: germline.
Comment: IARC class based on posterior probability from multifactorial likelihood analysis, thresholds for class as per Plon et al. 2008 (PMID: 18951446). Class 5 Pathogenic based on posterior probability = 0.999. Clinical evidence used in the multifactorial likelihood analysis is from Goldgar et al 2004 (PMID: 15290653). Some pipelines may detect BRCA1 c.[5359T>A;5363G>A] as two single nucleotide variants, c.5359T>A (Variation ID 55548) and c.5363G>A (Variation ID 55551), or as the delins event c.5359_5363delinsAGTGA (Variation ID 187349). Analysis of the c.[5359T>A;5363G>A] haplotype by a calibrated functional assay in Fernandes et al 2019 (PMID: 30765603) suggests that the protein will have abrogated function, supporting the clinical results. These clinical and functional data are only applicable when the variants are observed in cis.

Literature cited by the submitters: PubMed 15290653; PubMed 28781887.